The following is an entry in ClinVar:

NM_000789.4(ACE):c.3692-6G>A

Gene: ACE (angiotensin I converting enzyme; plus strand). Cytogenetic location: 17q23.3.
Variant type: single nucleotide variant.
Coding change: c.3692-6G>A on transcript NM_000789.4 (MANE Select); 6 bases into the intron before coding-DNA position 3692, G replaced by A.
Molecular consequence: intron variant.
Genome position (GRCh38, 1-based): chr17:63,497,131, G>A. VCF-style: chr17-63497131-G-A. GRCh37 (hg19) VCF-style: chr17-61574492-G-A.
Other names: p.?; c.1970-6G>A (NM_152830.3); c.1847-6G>A (NM_001178057.2).
Identifiers: ClinVar variation 256806 (VCV000256806.21), dbSNP rs4363, ClinGen allele CA8700638.
Genomic context (GRCh38, chr17:63,497,131, plus strand): 5'-CCTGCCCCGCACCCTTGCCCTGCCCTGCCCTGCCCTGCCCATGCTGTCTCCTTGCTTCCC[G>A]CTCAGCTCGCTCAGAAGGGCCCCTCCCAGACAGCGGCCGCGTCAGCTTCCTGGGCCTGGA-3'

ClinVar aggregate classification (germline): Benign. Review status: criteria provided, multiple submitters, no conflicts (2 of 4 stars). 8 submissions from 8 submitters: Benign (8). Last evaluated 2026-02-04.

Conditions:
Renal tubular dysgenesis. Also called: Renotubular dysgenesis. Identifiers: Orphanet 3033, MedGen C0266313, MONDO:0017609, HP:0008660.

Allele frequency attached by ClinVar (database versions not stated): gnomAD exomes 0.48990 and 0.52051; ESP Exome Variant Server 0.49176; gnomAD 0.50850 and 0.51317; TOPMed 0.51666; ExAC 0.55618; 1000 Genomes Project 0.58187; 1000 Genomes Project 30x 0.58292.
gnomAD v4.1: 787,131 of 1,600,104 alleles (49%); highest among the groups gnomAD compares: South Asian, 61%; 195,701 homozygotes.

Submissions (8):

Labcorp Genetics (formerly Invitae), Labcorp
Classification: Benign. Last evaluated: 2026-02-04. Review status: criteria provided, single submitter. Criteria: Invitae Variant Classification Sherloc (09022015). Collection method: clinical testing. Allele origin: germline.

Blueprint Genetics
Classification: Benign. Last evaluated: 2024-11-28. Review status: criteria provided, single submitter. Criteria: ACMG Guidelines, 2015. Collection method: clinical testing. Allele origin: germline.

Mayo Clinic Laboratories, Mayo Clinic
Classification: Benign. Last evaluated: 2022-03-09. Review status: criteria provided, single submitter. Criteria: ACMG Guidelines, 2015. Collection method: clinical testing. Allele origin: germline. Observed: 53 variant alleles.

Genome-Nilou Lab
Classification: Benign for Renal tubular dysgenesis of genetic origin. Last evaluated: 2021-07-14. Review status: criteria provided, single submitter. Criteria: ACMG Guidelines, 2015. Collection method: clinical testing. Allele origin: germline. Affected: no.

GeneDx
Classification: Benign. Last evaluated: 2018-11-10. Review status: criteria provided, single submitter. Criteria: GeneDx Variant Classification Process June 2021. Collection method: clinical testing. Allele origin: germline. Affected: yes.

Illumina Laboratory Services, Illumina
Classification: Benign for Renal tubular dysgenesis of genetic origin. Last evaluated: 2018-01-13. Review status: criteria provided, single submitter. Criteria: ICSL Variant Classification Criteria 13 December 2019. Collection method: clinical testing. Allele origin: germline.
Comment: This variant was observed in the ICSL laboratory as part of a predisposition screen in an ostensibly healthy population. It had not been previously curated by ICSL or reported in the Human Gene Mutation Database (HGMD: prior to June 1st, 2018), and was therefore a candidate for classification through an automated scoring system. Utilizing variant allele frequency, disease prevalence and penetrance estimates, and inheritance mode, an automated score was calculated to assess if this variant is too frequent to cause the disease. Based on the score and internal cut-off values, a variant classified as benign is not then subjected to further curation. The score for this variant resulted in a classification of benign for this disease.

Breakthrough Genomics
Classification: Benign. Review status: criteria provided, single submitter. Criteria: ACMG Guidelines, 2015. Collection method: not provided. Allele origin: germline. Inheritance: Autosomal recessive inheritance. Affected: yes.

PreventionGenetics, part of Exact Sciences
Classification: Benign. Review status: criteria provided, single submitter. Criteria: ACMG Guidelines, 2015. Collection method: clinical testing. Allele origin: germline.